The following is an entry in ClinVar:

NM_000059.4(BRCA2):c.5236del (p.Ser1746fs)

Gene: BRCA2 (BRCA2 DNA repair associated; plus strand). Cytogenetic location: 13q13.1.
Variant type: Deletion.
Coding change: c.5236del on transcript NM_000059.4 (MANE Select); coding-DNA position 5236, one base deleted (T; older notation c.5236delT).
Protein change: p.Ser1746fs; shifts the reading frame from serine 1746.
Molecular consequence: frameshift variant.
Genome position (GRCh38, 1-based): chr13:32,339,591, T deleted. VCF-style (leftmost placement, unchanged base first): chr13-32339590-GT-G. GRCh37 (hg19) VCF-style: chr13-32913727-GT-G.
Other names: short protein forms S1746fs.
Identifiers: ClinVar variation 825575 (VCV000825575.4), dbSNP rs1593904901, ClinGen allele CA915948487.

ClinVar aggregate classification (germline): Pathogenic (1 of 4 stars; one submission).

Conditions:
Hereditary cancer-predisposing syndrome. Also called: Neoplastic Syndromes, Hereditary; Tumor predisposition; Hereditary neoplastic syndrome; Hereditary Cancer Syndrome. Identifiers: Orphanet 140162, MedGen C0027672, MeSH D009386, MONDO:0015356.

Submission:

Ambry Genetics
Classification: Pathogenic for Hereditary cancer-predisposing syndrome. Last evaluated: 2019-11-07. Review status: criteria provided, single submitter. Criteria: Ambry Variant Classification Scheme 2023. Collection method: clinical testing. Allele origin: germline.
Comment: The c.5236delT pathogenic mutation, located in coding exon 10 of the BRCA2 gene, results from a deletion of one nucleotide at nucleotide position 5236, causing a translational frameshift with a predicted alternate stop codon (p.S1746Lfs*31). This alteration is expected to result in loss of function by premature protein truncation or nonsense-mediated mRNA decay. As such, this alteration is interpreted as a disease-causing mutation.